The following is an entry in ClinVar:

NM_001109878.2(TBX22):c.358C>T (p.Arg120Trp)

Gene: TBX22 (T-box transcription factor 22). Cytogenetic location: Xq21.1.
Variant type: single nucleotide variant.
Coding change: c.358C>T on transcript NM_001109878.2 (MANE Select); coding-DNA position 358, C replaced by T.
Protein change: p.Arg120Trp; replaces arginine 120 with tryptophan.
Molecular consequence: missense variant. On other transcripts: 5 prime UTR variant (2).
Genome position (GRCh38, 1-based): chrX:80,024,064, C>T. VCF-style: chrX-80024064-C-T. GRCh37 (hg19) VCF-style: chrX-79279563-C-T.
Other names: c.-3C>T (NM_001109879.2, NM_001303475.1); c.358C>T, p.Arg120Trp (NM_016954.2); short protein forms R120W.
Identifiers: ClinVar variation 3897167 (VCV003897167.1).

ClinVar aggregate classification (germline): Likely pathogenic (1 of 4 stars; one submission).

Submission:

GeneDx
Classification: Likely pathogenic. Last evaluated: 2024-11-04. Review status: criteria provided, single submitter. Criteria: GeneDx Variant Classification Process June 2021. Collection method: clinical testing. Allele origin: germline. Affected: yes.
Comment: Published functional studies demonstrate a damaging effect on the function of TBX22 (PMID: 17846996); In silico analysis supports that this missense variant has a deleterious effect on protein structure/function; This variant is associated with the following publications: (PMID: 21248356, 15602089, 17846996)